The following is an entry in ClinVar:

ClinVar aggregate classification (germline): Pathogenic (1 of 4 stars; one submission).

Conditions:
Tuberous sclerosis 1 (TSC1). Identifiers: Orphanet 805, MedGen C1854465, MONDO:0008612, OMIM 191100.

Submission:

Labcorp Genetics (formerly Invitae), Labcorp
Classification: Pathogenic for Tuberous sclerosis 1. Last evaluated: 2022-08-24. Review status: criteria provided, single submitter. Criteria: Invitae Variant Classification Sherloc (09022015). Collection method: clinical testing. Allele origin: germline.
Comment: For these reasons, this variant has been classified as Pathogenic. This variant has not been reported in the literature in individuals affected with TSC1-related conditions. This variant is not present in population databases (gnomAD no frequency). This sequence change creates a premature translational stop signal (p.Leu714Profs*20) in the TSC1 gene. It is expected to result in an absent or disrupted protein product. Loss-of-function variants in TSC1 are known to be pathogenic (PMID: 10227394, 17304050).

Literature cited by the submitters: PubMed 10227394; PubMed 17304050.

NM_000368.5(TSC1):c.2140dup (p.Leu714fs)

Gene: TSC1 (TSC complex subunit 1; minus strand). Cytogenetic location: 9q34.13.
Variant type: Duplication.
Coding change: c.2140dup on transcript NM_000368.5 (MANE Select); coding-DNA position 2140, one base duplicated (C; older notation c.2140dupC).
Protein change: p.Leu714fs; shifts the reading frame from leucine 714.
Molecular consequence: frameshift variant.
Genome position (GRCh38, 1-based): chr9:132,903,719, G duplicated on the plus strand (C on the coding strand, the reverse complement: TSC1 is on the minus strand); the first of 3 consecutive G bases (chr9:132,903,719-132,903,721); duplicating any one gives the same sequence. VCF-style (leftmost placement, unchanged base first): chr9-132903718-A-AG. GRCh37 (hg19) VCF-style: chr9-135779105-A-AG.
Other names: c.2137dup, p.Leu713fs (NM_001162426.2); c.1987dup, p.Leu663fs (NM_001162427.2); c.1777dup, p.Leu593fs (NM_001362177.2); c.2138dup, p.Leu714Profs (NM_001406592.1, NM_001406593.1, NM_001406594.1 and 5 more transcripts); c.2135dup, p.Leu713Profs (NM_001406597.1, NM_001406598.1, NM_001406599.1 and 3 more transcripts); c.2123dup, p.Leu709Profs (NM_001406601.1, NM_001406602.1); c.2120dup, p.Leu708Profs (NM_001406603.1, NM_001406604.1); c.1985dup, p.Leu663Profs (NM_001406610.1); and 6 more; short protein forms L713fs, L593fs, L714fs, L663fs.
Identifiers: ClinVar variation 2026269 (VCV002026269.4), dbSNP rs2538651561, ClinGen allele CA2580080151.